The following is an entry in ClinVar:

ClinVar aggregate classification (germline): Uncertain significance (1 of 4 stars; one submission).

Allele frequency attached by ClinVar (database versions not stated): TOPMed below 0.00001; ExAC 0.00002; ESP Exome Variant Server 0.00008.
gnomAD v4.1: 8 of 1,613,852 alleles (0.0005%); highest among the groups gnomAD compares: Middle Eastern, 0.016%; no homozygotes.

Submission:

Labcorp Genetics (formerly Invitae), Labcorp
Classification: Uncertain significance. Last evaluated: 2023-11-19. Review status: criteria provided, single submitter. Criteria: Invitae Variant Classification Sherloc (09022015). Collection method: clinical testing. Allele origin: germline.
Comment: This sequence change replaces arginine, which is basic and polar, with glutamine, which is neutral and polar, at codon 331 of the KMT2A protein (p.Arg331Gln). This variant is present in population databases (rs148514018, gnomAD 0.004%). This variant has not been reported in the literature in individuals affected with KMT2A-related conditions. ClinVar contains an entry for this variant (Variation ID: 1940777). Advanced modeling of protein sequence and biophysical properties (such as structural, functional, and spatial information, amino acid conservation, physicochemical variation, residue mobility, and thermodynamic stability) has been performed at Invitae for this missense variant, however the output from this modeling did not meet the statistical confidence thresholds required to predict the impact of this variant on KMT2A protein function. In summary, the available evidence is currently insufficient to determine the role of this variant in disease. Therefore, it has been classified as a Variant of Uncertain Significance.

NM_001197104.2(KMT2A):c.992G>A (p.Arg331Gln)

Gene: KMT2A (lysine methyltransferase 2A; plus strand). Cytogenetic location: 11q23.3.
Variant type: single nucleotide variant.
Coding change: c.992G>A on transcript NM_001197104.2 (MANE Select); coding-DNA position 992, G replaced by A.
Protein change: p.Arg331Gln; replaces arginine 331 with glutamine.
Molecular consequence: missense variant.
Genome position (GRCh38, 1-based): chr11:118,472,151, G>A. VCF-style: chr11-118472151-G-A. GRCh37 (hg19) VCF-style: chr11-118342866-G-A.
Other names: c.1091G>A, p.Arg364Gln (NM_001412597.1); c.992G>A, p.Arg331Gln (NM_005933.4); short protein forms R364Q, R331Q.
Identifiers: ClinVar variation 1940777 (VCV001940777.5), dbSNP rs148514018, ClinGen allele CA6303362.
Genomic context (GRCh38, chr11:118,472,151, plus strand): 5'-GGATAAAGACCCCTTCGGGTCTCCTCATTAATTCTGAACTGGAAAAGCCCCAGAAAGTCC[G>A]GAAAGACAAGGAAGGAACACCTCCACTTACAAAAGAAGATAAGACAGTTGTCAGACAAAG-3'
Protein context (NP_001184033.1, residues 321-341): NSELEKPQKV[Arg331Gln]KDKEGTPPLT